The following is an entry in ClinVar:

NM_002887.4(RARS1):c.1295A>T (p.Lys432Ile)

Gene: RARS1 (arginyl-tRNA synthetase 1; plus strand). Cytogenetic location: 5q34.
Variant type: single nucleotide variant.
Coding change: c.1295A>T on transcript NM_002887.4 (MANE Select); coding-DNA position 1295, A replaced by T.
Protein change: p.Lys432Ile; replaces lysine 432 with isoleucine.
Molecular consequence: missense variant.
Genome position (GRCh38, 1-based): chr5:168,506,780, A>T. VCF-style: chr5-168506780-A-T. GRCh37 (hg19) VCF-style: chr5-167933785-A-T.
Other names: short protein forms K432I.
Identifiers: ClinVar variation 1982239 (VCV001982239.4), dbSNP rs761268352, ClinGen allele CA3549885.

ClinVar aggregate classification (germline): Uncertain significance (1 of 4 stars; one submission).

Allele frequency attached by ClinVar (database versions not stated): gnomAD 0.00001; gnomAD exomes 0.00001; TOPMed 0.00002; ExAC 0.00006.
gnomAD v4.1: 9 of 1,613,884 alleles (0.00056%); highest among the groups gnomAD compares: Admixed American, 0.015%; no homozygotes.

Submission:

Labcorp Genetics (formerly Invitae), Labcorp
Classification: Uncertain significance. Last evaluated: 2025-05-05. Review status: criteria provided, single submitter. Criteria: Invitae Variant Classification Sherloc (09022015). Collection method: clinical testing. Allele origin: germline.
Comment: This sequence change replaces lysine, which is basic and polar, with isoleucine, which is neutral and non-polar, at codon 432 of the RARS protein (p.Lys432Ile). This variant is present in population databases (rs761268352, gnomAD 0.03%). This variant has not been reported in the literature in individuals affected with RARS-related conditions. ClinVar contains an entry for this variant (Variation ID: 1982239). Invitae Evidence Modeling of protein sequence and biophysical properties (such as structural, functional, and spatial information, amino acid conservation, physicochemical variation, residue mobility, and thermodynamic stability) indicates that this missense variant is not expected to disrupt RARS protein function with a negative predictive value of 80%. In summary, the available evidence is currently insufficient to determine the role of this variant in disease. Therefore, it has been classified as a Variant of Uncertain Significance.